The following is an entry in ClinVar:

NM_000540.3(RYR1):c.2423C>A (p.Ala808Asp)

Gene: RYR1 (ryanodine receptor 1; plus strand). Cytogenetic location: 19q13.2.
Variant type: single nucleotide variant.
Coding change: c.2423C>A on transcript NM_000540.3 (MANE Select); coding-DNA position 2423, C replaced by A.
Protein change: p.Ala808Asp; replaces alanine 808 with aspartic acid.
Molecular consequence: missense variant.
Genome position (GRCh38, 1-based): chr19:38,460,437, C>A. VCF-style: chr19-38460437-C-A. GRCh37 (hg19) VCF-style: chr19-38951077-C-A.
Other names: c.2423C>A, p.Ala808Asp (NM_001042723.2); short protein forms A808D.
Identifiers: ClinVar variation 2835570 (VCV002835570.3), dbSNP rs1187956516, ClinGen allele CA405628912.
Genomic context (GRCh38, chr19:38,460,437, plus strand): 5'-TGCGGTTCCTCCTTGGTGGCCGCCATGGTGAATTCAAGTTCCTGCCCCCACCTGGCTATG[C>A]TCCATGCCATGAGGCTGTGCTCCCTCGAGAGCGACTCCATCTTGAACCCATCAAGGAGTA-3'
Protein context (NP_000531.2, residues 798-818): EFKFLPPPGY[Ala808Asp]PCHEAVLPRE

ClinVar aggregate classification (germline): Uncertain significance (1 of 4 stars; one submission).

Conditions:
RYR1-related disorder. Also called: RYR1-related condition; RYR1-related disorders. Identifiers: MedGen CN239331.

Submission:

Labcorp Genetics (formerly Invitae), Labcorp
Classification: Uncertain significance for RYR1-related disorder. Last evaluated: 2023-03-13. Review status: criteria provided, single submitter. Criteria: Invitae Variant Classification Sherloc (09022015). Collection method: clinical testing. Allele origin: germline.
Comment: This sequence change replaces alanine, which is neutral and non-polar, with aspartic acid, which is acidic and polar, at codon 808 of the RYR1 protein (p.Ala808Asp). In summary, the available evidence is currently insufficient to determine the role of this variant in disease. Therefore, it has been classified as a Variant of Uncertain Significance. Advanced modeling of protein sequence and biophysical properties (such as structural, functional, and spatial information, amino acid conservation, physicochemical variation, residue mobility, and thermodynamic stability) performed at Invitae indicates that this missense variant is expected to disrupt RYR1 protein function. This variant has not been reported in the literature in individuals affected with RYR1-related conditions. This variant is not present in population databases (gnomAD no frequency).